The following is an entry in ClinVar:

NM_001291303.3(FAT4):c.1462G>A (p.Ala488Thr)

Gene: FAT4 (FAT atypical cadherin 4; plus strand). Cytogenetic location: 4q28.1.
Variant type: single nucleotide variant.
Coding change: c.1462G>A on transcript NM_001291303.3 (MANE Select); coding-DNA position 1462, G replaced by A.
Protein change: p.Ala488Thr; replaces alanine 488 with threonine.
Molecular consequence: missense variant.
Genome position (GRCh38, 1-based): chr4:125,317,873, G>A. VCF-style: chr4-125317873-G-A. GRCh37 (hg19) VCF-style: chr4-126239028-G-A.
Other names: c.1462G>A (NM_001291303.1); c.1462G>A, p.Ala488Thr (NM_001291285.3, NM_024582.6); short protein forms A488T.
Identifiers: ClinVar variation 1802118 (VCV001802118.5), dbSNP rs370892297, ClinGen allele CA3071994.
Genomic context (GRCh38, chr4:125,317,873, plus strand): 5'-ATCAATGACCATCCTCCTGTCTTTTCACAGCAAGTGTACAGAGTGAACCTGAGCGAGGAG[G>A]CGCCTCCGGGAAGCTATGTGAGTGGGATATCTGCCACTGATGGCGACTCTGGTCTCAATG-3'
Protein context (NP_001278232.1, residues 478-498): QVYRVNLSEE[Ala488Thr]PPGSYVSGIS

ClinVar aggregate classification (germline): Uncertain significance. Review status: criteria provided, multiple submitters, no conflicts (2 of 4 stars). 3 submissions from 3 submitters: Uncertain significance (3). Last evaluated 2025-08-08.

Conditions:
FAT4-related disorder. Also called: FAT4-related condition.
Inborn genetic diseases. Identifiers: MedGen C0950123, MeSH D030342.

Allele frequency attached by ClinVar (database versions not stated): ExAC 0.00002; ESP Exome Variant Server 0.00008; gnomAD 0.00008; TOPMed 0.00011.
gnomAD v4.1: 27 of 1,614,054 alleles (0.0017%); highest among the groups gnomAD compares: African/African-American, 0.035%; no homozygotes.

Submissions (3):

PreventionGenetics, part of Exact Sciences
Classification: Uncertain significance for FAT4-related condition. Last evaluated: 2025-08-08. Review status: criteria provided, single submitter. Criteria: ACMG Guidelines, 2015. Collection method: clinical testing. Allele origin: germline.
Comment: The FAT4 c.1462G>A variant is predicted to result in the amino acid substitution p.Ala488Thr. To our knowledge, this variant has not been reported in the literature. This variant is reported in 0.041% of alleles in individuals of African descent in gnomAD. At this time, the clinical significance of this variant is uncertain due to the absence of conclusive functional and genetic evidence.

Ambry Genetics
Classification: Uncertain significance for Inborn genetic diseases. Last evaluated: 2025-04-13. Review status: criteria provided, single submitter. Criteria: Ambry Variant Classification Scheme 2023. Collection method: clinical testing. Allele origin: germline.

GeneDx
Classification: Uncertain significance. Last evaluated: 2022-11-30. Review status: criteria provided, single submitter. Criteria: GeneDx Variant Classification Process June 2021. Collection method: clinical testing. Allele origin: germline. Affected: yes.
Comment: In silico analysis supports that this missense variant does not alter protein structure/function; Has not been previously published as pathogenic or benign to our knowledge